The following continues an entry in ClinVar:

NM_001378328.1(CELSR1):c.8107G>A (p.Val2703Met)

Gene: CELSR1. ClinVar aggregate classification (germline): Benign. Benign (2).

Submissions 31 to 47 of 47:

Dr. Peter K. Rogan Lab, Western University
No classification provided (evidence only). Condition: Cervical cancer. Review status: no classification provided. Collection method: in vitro. Allele origin: not applicable. Functional consequence: retained intron. Not counted in ClinVar's aggregate classification.

Dr. Peter K. Rogan Lab, Western University
No classification provided (evidence only). Condition: Cervical cancer. Review status: no classification provided. Collection method: in vitro. Allele origin: not applicable. Functional consequence: retained intron. Not counted in ClinVar's aggregate classification.

Dr. Peter K. Rogan Lab, Western University
No classification provided (evidence only). Condition: Cervical cancer. Review status: no classification provided. Collection method: in vitro. Allele origin: not applicable. Functional consequence: retained intron. Not counted in ClinVar's aggregate classification.

Dr. Peter K. Rogan Lab, Western University
No classification provided (evidence only). Condition: Cervical cancer. Review status: no classification provided. Collection method: in vitro. Allele origin: not applicable. Functional consequence: retained intron. Not counted in ClinVar's aggregate classification.

Dr. Peter K. Rogan Lab, Western University
No classification provided (evidence only). Condition: Cervical cancer. Review status: no classification provided. Collection method: in vitro. Allele origin: not applicable. Functional consequence: retained intron. Not counted in ClinVar's aggregate classification.

Dr. Peter K. Rogan Lab, Western University
No classification provided (evidence only). Condition: Cervical cancer. Review status: no classification provided. Collection method: in vitro. Allele origin: not applicable. Functional consequence: retained intron. Not counted in ClinVar's aggregate classification.

Dr. Peter K. Rogan Lab, Western University
No classification provided (evidence only). Condition: Cervical cancer. Review status: no classification provided. Collection method: in vitro. Allele origin: not applicable. Functional consequence: retained intron. Not counted in ClinVar's aggregate classification.

Dr. Peter K. Rogan Lab, Western University
No classification provided (evidence only). Condition: Hepatocellular carcinoma. Review status: no classification provided. Collection method: in vitro. Allele origin: not applicable. Functional consequence: retained intron. Not counted in ClinVar's aggregate classification.

Dr. Peter K. Rogan Lab, Western University
No classification provided (evidence only). Condition: Hepatocellular carcinoma. Review status: no classification provided. Collection method: in vitro. Allele origin: not applicable. Functional consequence: retained intron. Not counted in ClinVar's aggregate classification.

Dr. Peter K. Rogan Lab, Western University
No classification provided (evidence only). Condition: Nonpapillary renal cell carcinoma. Review status: no classification provided. Collection method: in vitro. Allele origin: not applicable. Functional consequence: retained intron. Not counted in ClinVar's aggregate classification.

Dr. Peter K. Rogan Lab, Western University
No classification provided (evidence only). Condition: Thymoma. Review status: no classification provided. Collection method: in vitro. Allele origin: not applicable. Functional consequence: retained intron. Not counted in ClinVar's aggregate classification.

Dr. Peter K. Rogan Lab, Western University
No classification provided (evidence only). Condition: Ovarian serous cystadenocarcinoma. Review status: no classification provided. Collection method: in vitro. Allele origin: not applicable. Functional consequence: retained intron. Not counted in ClinVar's aggregate classification.

Dr. Peter K. Rogan Lab, Western University
No classification provided (evidence only). Condition: Ovarian serous cystadenocarcinoma. Review status: no classification provided. Collection method: in vitro. Allele origin: not applicable. Functional consequence: retained intron. Not counted in ClinVar's aggregate classification.

Dr. Peter K. Rogan Lab, Western University
No classification provided (evidence only). Condition: Ovarian serous cystadenocarcinoma. Review status: no classification provided. Collection method: in vitro. Allele origin: not applicable. Functional consequence: retained intron. Not counted in ClinVar's aggregate classification.

Dr. Peter K. Rogan Lab, Western University
No classification provided (evidence only). Condition: Gastric cancer. Review status: no classification provided. Collection method: in vitro. Allele origin: not applicable. Functional consequence: retained intron. Not counted in ClinVar's aggregate classification.

Dr. Peter K. Rogan Lab, Western University
No classification provided (evidence only). Condition: Gastric cancer. Review status: no classification provided. Collection method: in vitro. Allele origin: not applicable. Functional consequence: retained intron. Not counted in ClinVar's aggregate classification.

Dr. Peter K. Rogan Lab, Western University
No classification provided (evidence only). Condition: Uterine carcinosarcoma. Review status: no classification provided. Collection method: in vitro. Allele origin: not applicable. Functional consequence: retained intron. Not counted in ClinVar's aggregate classification.